The following is an entry in ClinVar:

NM_080916.3(DGUOK):c.592-4_592-3del

Gene: DGUOK (deoxyguanosine kinase; plus strand). Cytogenetic location: 2p13.1.
Variant type: Deletion.
Coding change: c.592-4_592-3del on transcript NM_080916.3 (MANE Select); 4 bases into the intron before coding-DNA position 592 through 3 bases into the intron before coding-DNA position 592, 2 bases deleted (TT; older notation c.592-4_592-3delTT).
Molecular consequence: intron variant.
Genome position (GRCh38, 1-based): chr2:73,957,121-73,957,122, TT deleted; deleting any 2 consecutive bases within chr2:73,957,119-73,957,122 gives the same sequence; the c. name uses the placement nearest the transcript's 3' end. VCF-style (leftmost placement, unchanged base first): chr2-73957118-CTT-C. GRCh37 (hg19) VCF-style: chr2-74184245-CTT-C.
Other names: c.301-4_301-3del (NM_001318861.2, NM_001318860.2); c.283-4_283-3del (NM_001318862.2, NM_001318863.2); c.444-1025_444-1024del (NM_080918.3); c.426-1025_426-1024del (NM_001318859.2).
Identifiers: ClinVar variation 2574219 (VCV002574219.5), dbSNP rs1408950500, ClinGen allele CA533695733.

ClinVar aggregate classification (germline): Pathogenic/Likely pathogenic. Review status: criteria provided, multiple submitters, no conflicts (2 of 4 stars). 3 submissions from 3 submitters: Pathogenic (2); Likely pathogenic (1). Last evaluated 2024-05-09.

Conditions:
Mitochondrial DNA depletion syndrome 3 (hepatocerebral type). Also called: MITOCHONDRIAL DNA DEPLETION SYNDROME 3; Mitochondrial DNA depletion syndrome, hepatocerebral form due to DGUOK deficiency; Deoxyguanosine Kinase Deficiency. Identifiers: Orphanet 279934, MedGen CN074093, MONDO:0009636, OMIM 251880.
Progressive external ophthalmoplegia with mitochondrial DNA deletions, autosomal recessive 4. Also called: PROGRESSIVE EXTERNAL OPHTHALMOPLEGIA, AUTOSOMAL RECESSIVE 4; Adult-onset multiple mitochondrial DNA deletion syndrome due to DGUOK deficiency. Identifiers: Orphanet 329314, MedGen C4310733, MONDO:0014899, OMIM 617070.
Portal hypertension, noncirrhotic, 1 (NCPH1). Identifiers: MedGen CN305369, MONDO:8000013, OMIM 617068.

Submissions (3):

Fulgent Genetics
Classification: Likely pathogenic for Mitochondrial DNA depletion syndrome 3 (hepatocerebral type); Portal hypertension, noncirrhotic, 1; Progressive external ophthalmoplegia with mitochondrial DNA deletions, autosomal recessive 4. Last evaluated: 2024-05-09. Review status: criteria provided, single submitter. Criteria: ACMG Guidelines, 2015. Collection method: clinical testing. Allele origin: germline.

Labcorp Genetics (formerly Invitae), Labcorp
Classification: Pathogenic. Last evaluated: 2023-09-01. Review status: criteria provided, single submitter. Criteria: Invitae Variant Classification Sherloc (09022015). Collection method: clinical testing. Allele origin: germline.
Comment: For these reasons, this variant has been classified as Pathogenic. Variants that disrupt the consensus splice site are a relatively common cause of aberrant splicing (PMID: 17576681, 9536098). Studies have shown that this variant results in skipping of exon 5 and introduces a premature termination codon (PMID: 19900589). The resulting mRNA is expected to undergo nonsense-mediated decay. ClinVar contains an entry for this variant (Variation ID: 2574219). This variant has been observed in individual(s) with mitochondrial DNA depletion syndrome (PMID: 18205204, 19900589). In at least one individual the data is consistent with being in trans (on the opposite chromosome) from a pathogenic variant. It has also been observed to segregate with disease in related individuals. This variant is present in population databases (no rsID available, gnomAD 0.003%). This sequence change falls in intron 4 of the DGUOK gene. It does not directly change the encoded amino acid sequence of the DGUOK protein. RNA analysis indicates that this variant induces altered splicing and may result in an absent or disrupted protein product.

GeneDx
Classification: Pathogenic. Last evaluated: 2022-12-23. Review status: criteria provided, single submitter. Criteria: GeneDx Variant Classification Process June 2021. Collection method: clinical testing. Allele origin: germline. Affected: yes.
Comment: Observed with a pathogenic variant in a patient with clinical features of DGUOK-related deoxyguanosine kinase deficiency, but it is not known whether the variants occurred on the same (in cis) or on different (in trans) chromosomes (Dimmock et al., 2008); Non-canonical splice site variant demonstrated to result in loss of function (Ji et al., 2010); Not observed at significant frequency in large population cohorts (gnomAD); This variant is associated with the following publications: (PMID: 19900589, 18205204)

Literature cited by the submitters: PubMed 17576681 (cited by Labcorp Genetics (formerly Invitae), Labcorp); PubMed 9536098 (cited by Labcorp Genetics (formerly Invitae), Labcorp); PubMed 19900589 (cited by Labcorp Genetics (formerly Invitae), Labcorp); PubMed 18205204 (cited by Labcorp Genetics (formerly Invitae), Labcorp).